The following is an entry in ClinVar:

ClinVar aggregate classification (germline): Uncertain significance (1 of 4 stars; one submission).

Conditions:
Arrhythmogenic cardiomyopathy with wooly hair and keratoderma. Also called: Carvajal syndrome; PALMOPLANTAR KERATODERMA WITH LEFT VENTRICULAR CARDIOMYOPATHY AND WOOLLY HAIR; Dilated cardiomyopathy with woolly hair and keratoderma; Arrhythmogenic cardiomyopathy with woolly hair and keratoderma. Identifiers: Orphanet 65282, MedGen C1854063, MONDO:0011581, OMIM 605676.

Submission:

All of Us Research Program, National Institutes of Health
Classification: Uncertain significance for Arrhythmogenic cardiomyopathy with wooly hair and keratoderma. Last evaluated: 2023-04-03. Review status: criteria provided, single submitter. Criteria: ACMG Guidelines, 2015. Collection method: clinical testing. Allele origin: germline. Inheritance: Autosomal dominant inheritance. Observed: 1 variant allele, 1 heterozygote.
Comment: This missense variant replaces glutamic acid with glutamine at codon 1595 of the DSP protein. Computational prediction suggests that this variant may not impact protein structure and function (internally defined REVEL score threshold <= 0.5, PMID: 27666373). To our knowledge, functional studies have not been reported for this variant. This variant has not been reported in individuals affected with DSP-related disorders in the literature. This variant has not been identified in the general population by the Genome Aggregation Database (gnomAD). The available evidence is insufficient to determine the role of this variant in disease conclusively. Therefore, this variant is classified as a Variant of Uncertain Significance.

This study involves interpretation of variants in research participants for the purpose of population health screening. Participant phenotype was not available at the time of variant classification. Additional details can be found in publication PMID: 35346344, PMCID: PMC8962531

NM_004415.4(DSP):c.4783G>C (p.Glu1595Gln)

Gene: DSP (desmoplakin; plus strand). Cytogenetic location: 6p24.3.
Variant type: single nucleotide variant.
Coding change: c.4783G>C on transcript NM_004415.4 (MANE Select); coding-DNA position 4783, G replaced by C.
Protein change: p.Glu1595Gln; replaces glutamic acid 1595 with glutamine.
Molecular consequence: missense variant. On other transcripts: intron variant (2).
Genome position (GRCh38, 1-based): chr6:7,580,973, G>C. VCF-style: chr6-7580973-G-C. GRCh37 (hg19) VCF-style: chr6-7581206-G-C.
Other names: c.4050+733G>C (NM_001319034.2); c.3582+1201G>C (NM_001008844.3); short protein forms E1595Q.
Identifiers: ClinVar variation 3070100 (VCV003070100.1), dbSNP rs2533930304, ClinGen allele CA362687146.